The following is an entry in ClinVar:

ClinVar aggregate classification (germline): Uncertain significance (1 of 4 stars; one submission).

Conditions:
Hereditary breast ovarian cancer syndrome. Also called: Hereditary breast and ovarian cancer syndrome; Hereditary breast and ovarian cancer syndrome (HBOC); BRCA1- and BRCA2-Associated Hereditary Breast and Ovarian Cancer; Hereditary breast and ovarian cancer; Breast and ovarian cancer; Hereditary breast and/or ovarian cancer syndrome. Identifiers: Orphanet 145, MedGen C0677776, MeSH D061325, MONDO:0003582. Disease mechanism: loss of function.

Submission:

Labcorp Genetics (formerly Invitae), Labcorp
Classification: Uncertain significance for Hereditary breast ovarian cancer syndrome. Last evaluated: 2024-11-27. Review status: criteria provided, single submitter. Criteria: Invitae Variant Classification Sherloc (09022015). Collection method: clinical testing. Allele origin: germline.
Comment: This sequence change replaces isoleucine, which is neutral and non-polar, with phenylalanine, which is neutral and non-polar, at codon 2437 of the BRCA2 protein (p.Ile2437Phe). This variant is not present in population databases (gnomAD no frequency). This variant has not been reported in the literature in individuals affected with BRCA2-related conditions. Invitae Evidence Modeling of protein sequence and biophysical properties (such as structural, functional, and spatial information, amino acid conservation, physicochemical variation, residue mobility, and thermodynamic stability) indicates that this missense variant is not expected to disrupt BRCA2 protein function with a negative predictive value of 95%. In summary, the available evidence is currently insufficient to determine the role of this variant in disease. Therefore, it has been classified as a Variant of Uncertain Significance.

NM_000059.4(BRCA2):c.7309A>T (p.Ile2437Phe)

Gene: BRCA2 (BRCA2 DNA repair associated; plus strand). Cytogenetic location: 13q13.1.
Variant type: single nucleotide variant.
Coding change: c.7309A>T on transcript NM_000059.4 (MANE Select); coding-DNA position 7309, A replaced by T.
Protein change: p.Ile2437Phe; replaces isoleucine 2437 with phenylalanine.
Molecular consequence: missense variant. On other transcripts: non-coding transcript variant (1).
Genome position (GRCh38, 1-based): chr13:32,355,162, A>T. VCF-style: chr13-32355162-A-T. GRCh37 (hg19) VCF-style: chr13-32929299-A-T.
Other names: c.7213A>T, p.Ile2405Phe (NM_001406719.1); c.7309A>T, p.Ile2437Phe (NM_001406720.1, NM_001432077.1); c.2377A>T, p.Ile793Phe (NM_001406721.1); c.892A>T, p.Ile298Phe (NM_001406722.1); short protein forms I298F, I793F, I2405F, I2437F.
Identifiers: ClinVar variation 3636519 (VCV003636519.2).